The following is an entry in ClinVar:

NM_002945.5(RPA1):c.636G>C (p.Trp212Cys)

Gene: RPA1 (replication protein A1; plus strand). Cytogenetic location: 17p13.3.
Variant type: single nucleotide variant.
Coding change: c.636G>C on transcript NM_002945.5 (MANE Select); coding-DNA position 636, G replaced by C.
Protein change: p.Trp212Cys; replaces tryptophan 212 with cysteine.
Molecular consequence: missense variant.
Genome position (GRCh38, 1-based): chr17:1,877,260, G>C. VCF-style: chr17-1877260-G-C. GRCh37 (hg19) VCF-style: chr17-1780554-G-C.
Other names: c.597G>C, p.Trp199Cys (NM_001355120.2); c.636G>C, p.Trp212Cys (NM_001355121.2); short protein forms W199C, W212C.
Identifiers: ClinVar variation 4986930 (VCV004986930.1).

ClinVar aggregate classification (germline): Uncertain significance (1 of 4 stars; one submission).

Conditions:
RPA1-related disorder. Also called: RPA1-related condition.

gnomAD v4.1: 3 of 1,614,200 alleles (0.00019%); highest among the groups gnomAD compares: Admixed American, 0.005%; no homozygotes.

Submission:

PreventionGenetics, part of Exact Sciences
Classification: Uncertain significance for RPA1-related condition. Last evaluated: 2025-09-17. Review status: criteria provided, single submitter. Criteria: ACMG Guidelines, 2015. Collection method: clinical testing. Allele origin: germline.
Comment: The RPA1 c.636G>C variant is predicted to result in the amino acid substitution p.Trp212Cys. To our knowledge, this variant has not been reported in the literature or in a large population database (gnomAD), indicating this variant is rare. At this time, the clinical significance of this variant is uncertain due to the absence of conclusive functional and genetic evidence.